The following is an entry in ClinVar:

NM_000329.3(RPE65):c.37A>G (p.Lys13Glu)

Gene: RPE65 (retinoid isomerohydrolase RPE65; minus strand). Cytogenetic location: 1p31.3.
Variant type: single nucleotide variant.
Coding change: c.37A>G on transcript NM_000329.3 (MANE Select); coding-DNA position 37, A replaced by G.
Protein change: p.Lys13Glu; replaces lysine 13 with glutamic acid.
Molecular consequence: missense variant.
Genome position (GRCh38, 1-based): chr1:68,448,681, T>C on the plus strand (A>G on the coding strand, the complement: RPE65 is on the minus strand). VCF-style: chr1-68448681-T-C. GRCh37 (hg19) VCF-style: chr1-68914364-T-C.
Other names: c.37A>G, p.Lys13Glu (NM_001406853.1, NM_001406859.1, NM_001406860.1); c.-89A>G (NM_001406856.1); short protein forms K13E.
Identifiers: ClinVar variation 2428115 (VCV002428115.5), dbSNP rs758419556, ClinGen allele CA902633.

ClinVar aggregate classification (germline): Uncertain significance (1 of 4 stars; one submission).

Conditions:
Leber congenital amaurosis 2 (LCA2). Also called: AMAUROSIS CONGENITA OF LEBER II; Autosomal Recessive RPE65-Related Retinal Degeneration. Identifiers: Orphanet 65, MedGen C1859844, MONDO:0008765, OMIM 204100. Disease mechanism: loss of function.
Retinitis pigmentosa 20 (RP20). Identifiers: Orphanet 791, MedGen C3151086, MONDO:0013425, OMIM 613794.

Allele frequency attached by ClinVar (database versions not stated): gnomAD exomes below 0.00001; ExAC 0.00001; gnomAD 0.00001; TOPMed 0.00002.
gnomAD v4.1: 7 of 1,613,670 alleles (0.00043%); highest among the groups gnomAD compares: African/African-American, 0.008%; no homozygotes.

Submission:

Labcorp Genetics (formerly Invitae), Labcorp
Classification: Uncertain significance for Leber congenital amaurosis 2; Retinitis pigmentosa 20. Last evaluated: 2025-12-17. Review status: criteria provided, single submitter. Criteria: Invitae Variant Classification Sherloc (09022015). Collection method: clinical testing. Allele origin: germline.
Comment: This sequence change replaces lysine, which is basic and polar, with glutamic acid, which is acidic and polar, at codon 13 of the RPE65 protein (p.Lys13Glu). This variant is present in population databases (rs758419556, gnomAD 0.01%). This variant has not been reported in the literature in individuals affected with RPE65-related conditions. ClinVar contains an entry for this variant (Variation ID: 2428115). Invitae Evidence Modeling of protein sequence and biophysical properties (such as structural, functional, and spatial information, amino acid conservation, physicochemical variation, residue mobility, and thermodynamic stability) indicates that this missense variant is not expected to disrupt RPE65 protein function with a negative predictive value of 80%. In summary, the available evidence is currently insufficient to determine the role of this variant in disease. Therefore, it has been classified as a Variant of Uncertain Significance.